The following is an entry in ClinVar:

ClinVar aggregate classification (germline): Benign (1 of 4 stars; one submission).

Conditions:
Familial cancer of breast. Also called: hereditary breast carcinoma; BREAST CANCER, FAMILIAL; Hereditary breast cancer. Identifiers: Orphanet 227535, MedGen C0346153, MONDO:0016419, OMIM 114480. Disease mechanism: loss of function.

Submission:

Myriad Genetics, Inc.
Classification: Benign for Familial cancer of breast. Last evaluated: 2024-06-13. Review status: criteria provided, single submitter. Criteria: Myriad Autosomal Dominant, Autosomal Recessive and X-Linked Classification Criteria (2023). Collection method: clinical testing. Allele origin: unknown.
Comment: This variant is considered benign. This variant is a silent/synonymous amino acid change and it is not expected to impact splicing.

NM_000051.4(ATM):c.7260C>T (p.Ala2420=)

Genes: ATM (ATM serine/threonine kinase; plus strand), C11orf65 (chromosome 11 open reading frame 65; minus strand). Cytogenetic location: 11q22.3.
Variant type: single nucleotide variant.
Coding change: c.7260C>T on transcript NM_000051.4 (MANE Select); coding-DNA position 7260, C replaced by T.
Protein change: p.Ala2420=; no amino-acid change (alanine 2420 retained).
Molecular consequence: synonymous variant. On other transcripts: intron variant (2).
Genome position (GRCh38, 1-based): chr11:108,329,191, C>T. VCF-style: chr11-108329191-C-T. GRCh37 (hg19) VCF-style: chr11-108199918-C-T.
Other names: c.7260C>T, p.Ala2420= (NM_001351834.2); c.641-20120G>A (NM_001330368.2); c.*38+6029G>A (NM_001351110.2).
Identifiers: ClinVar variation 3253754 (VCV003253754.1), dbSNP rs2136421046.